The following is an entry in ClinVar:

NM_000038.6(APC):c.197T>C (p.Ile66Thr)

Gene: APC (APC regulator of Wnt signaling pathway; plus strand). Cytogenetic location: 5q22.2.
Variant type: single nucleotide variant.
Coding change: c.197T>C on transcript NM_000038.6 (MANE Select); coding-DNA position 197, T replaced by C.
Protein change: p.Ile66Thr; replaces isoleucine 66 with threonine.
Molecular consequence: missense variant. On other transcripts: 5 prime UTR variant (1).
Genome position (GRCh38, 1-based): chr5:112,766,387, T>C. VCF-style: chr5-112766387-T-C. GRCh37 (hg19) VCF-style: chr5-112102084-T-C.
Other names: c.197T>C, p.Ile66Thr (NM_001127510.3, NM_001354895.2, NM_001354896.2 and 2 more transcripts); c.227T>C, p.Ile76Thr (NM_001127511.3, NM_001354897.2, NM_001354902.2); c.122T>C, p.Ile41Thr (NM_001354898.2, NM_001354904.2); c.20T>C, p.Ile7Thr (NM_001354900.2, NM_001354901.2, NM_001354905.2); c.-839T>C (NM_001354906.2); short protein forms I76T, I7T, I41T, I66T.
Identifiers: ClinVar variation 644058 (VCV000644058.24), dbSNP rs1581160506, ClinGen allele CA16021773.

ClinVar aggregate classification (germline): Uncertain significance. Review status: criteria provided, multiple submitters, no conflicts (2 of 4 stars). 5 submissions from 5 submitters: Uncertain significance (5). Last evaluated 2026-04-09.

Conditions:
Classic or attenuated familial adenomatous polyposis. Identifiers: MedGen CN372698, MONDO:0021057.
Familial adenomatous polyposis 1 (FAP1). Also called: FAMILIAL ADENOMATOUS POLYPOSIS 1, ATTENUATED; POLYPOSIS, ADENOMATOUS INTESTINAL. Identifiers: MedGen C2713442, MONDO:0021056, OMIM 175100. Disease mechanism: loss of function.
Hereditary cancer-predisposing syndrome. Also called: Tumor predisposition; Hereditary Cancer Syndrome; Neoplastic Syndromes, Hereditary; Hereditary neoplastic syndrome. Identifiers: Orphanet 140162, MedGen C0027672, MeSH D009386, MONDO:0015356.

Allele frequency attached by ClinVar (database versions not stated): TOPMed 0.00001; gnomAD exomes below 0.00001; gnomAD 0.00001.
gnomAD v4.1: 7 of 1,611,740 alleles (0.00043%); highest among the groups gnomAD compares: Admixed American, 0.0017%; no homozygotes.

Submissions (5):

Ambry Genetics
Classification: Uncertain significance for Hereditary cancer-predisposing syndrome. Last evaluated: 2026-04-09. Review status: criteria provided, single submitter. Criteria: Ambry Variant Classification Scheme 2023. Collection method: clinical testing. Allele origin: germline.
Comment: The p.I66T variant (also known as c.197T>C), located in coding exon 2 of the APC gene, results from a T to C substitution at nucleotide position 197. The isoleucine at codon 66 is replaced by threonine, an amino acid with similar properties. This amino acid position is well conserved in available vertebrate species. In addition, in silico predictors for this gene do not accurately predict pathogenicity. Missense alterations in APC are not a common cause of disease (Spier I et al. Genet Med. 2024 Feb;26(2):100992). Based on the available evidence, the clinical significance of this variant remains unclear.

Labcorp Genetics (formerly Invitae), Labcorp
Classification: Uncertain significance for Familial adenomatous polyposis 1. Last evaluated: 2025-02-12. Review status: criteria provided, single submitter. Criteria: Invitae Variant Classification Sherloc (09022015). Collection method: clinical testing. Allele origin: germline.
Comment: This sequence change replaces isoleucine, which is neutral and non-polar, with threonine, which is neutral and polar, at codon 66 of the APC protein (p.Ile66Thr). This variant is not present in population databases (gnomAD no frequency). This missense change has been observed in individual(s) with biliary tract cancer (PMID: 36243179). ClinVar contains an entry for this variant (Variation ID: 644058). Invitae Evidence Modeling of protein sequence and biophysical properties (such as structural, functional, and spatial information, amino acid conservation, physicochemical variation, residue mobility, and thermodynamic stability) indicates that this missense variant is not expected to disrupt APC protein function with a negative predictive value of 95%. In summary, the available evidence is currently insufficient to determine the role of this variant in disease. Therefore, it has been classified as a Variant of Uncertain Significance.

All of Us Research Program, National Institutes of Health
Classification: Uncertain significance for Classic or attenuated familial adenomatous polyposis. Last evaluated: 2024-07-10. Review status: criteria provided, single submitter. Criteria: ACMG Guidelines, 2015. Collection method: clinical testing. Allele origin: germline. Inheritance: Autosomal dominant inheritance. Observed: 3 variant alleles, 3 heterozygotes.
Comment: This missense variant replaces isoleucine with threonine at codon 66 of the APC protein. Computational prediction suggests that this variant may not impact protein structure and function (internally defined REVEL score threshold <= 0.5, PMID: 27666373). Splice site prediction tools suggest that this variant may not impact RNA splicing. To our knowledge, functional studies have not been reported for this variant. This variant has not been reported in individuals affected with hereditary cancer in the literature. This variant has not been identified in the general population by the Genome Aggregation Database (gnomAD). The available evidence is insufficient to determine the role of this variant in disease conclusively. Therefore, this variant is classified as a Variant of Uncertain Significance.

This study involves interpretation of variants in research participants for the purpose of population health screening. Participant phenotype was not available at the time of variant classification. Additional details can be found in publication PMID: 35346344, PMCID: PMC8962531

Color Diagnostics, LLC DBA Color Health
Classification: Uncertain significance for Hereditary cancer-predisposing syndrome. Last evaluated: 2024-06-13. Review status: criteria provided, single submitter. Criteria: ACMG Guidelines, 2015. Collection method: clinical testing. Allele origin: germline.
Comment: This missense variant replaces isoleucine with threonine at codon 66 of the APC protein. Computational prediction suggests that this variant may not impact protein structure and function (internally defined REVEL score threshold <= 0.5, PMID: 27666373). To our knowledge, functional studies have not been reported for this variant. This variant has not been reported in individuals affected with APC-related disorders in the literature. This variant has not been identified in the general population by the Genome Aggregation Database (gnomAD). The available evidence is insufficient to determine the role of this variant in disease conclusively. Therefore, this variant is classified as a Variant of Uncertain Significance.

Baylor Genetics
Classification: Uncertain significance for Familial adenomatous polyposis 1. Last evaluated: 2023-08-09. Review status: criteria provided, single submitter. Criteria: ACMG Guidelines, 2015. Collection method: clinical testing. Allele origin: unknown.

Literature cited by the submitters: PubMed 36243179 (cited by Labcorp Genetics (formerly Invitae), Labcorp).